The following is an entry in ClinVar:

ClinVar aggregate classification (germline): Uncertain significance (1 of 4 stars; one submission).

Conditions:
Mendelian susceptibility to mycobacterial diseases due to partial STAT1 deficiency. Also called: IMMUNODEFICIENCY 31A, MYCOBACTERIOSIS, AUTOSOMAL DOMINANT; STAT1 DEFICIENCY, AUTOSOMAL DOMINANT; Immunodeficiency 31a. Identifiers: Orphanet 319595, MedGen C4013950, MONDO:0013956, OMIM 614892.
Immunodeficiency 31B. Also called: STAT1 DEFICIENCY, AUTOSOMAL RECESSIVE; IMMUNODEFICIENCY 31B, MYCOBACTERIAL AND VIRAL INFECTIONS, AUTOSOMAL RECESSIVE. Identifiers: Orphanet 391311, MedGen C3151088, MONDO:0013427, OMIM 613796.
Autoimmune enteropathy and endocrinopathy - susceptibility to chronic infections syndrome. Also called: Immunodeficiency 31C, autosomal dominant; Immunodeficiency 31C. Identifiers: Orphanet 391487, MedGen C3279990, MONDO:0013599, OMIM 614162.

Submission:

Labcorp Genetics (formerly Invitae), Labcorp
Classification: Uncertain significance for Mendelian susceptibility to mycobacterial diseases due to partial STAT1 deficiency; Immunodeficiency 31B; Autoimmune enteropathy and endocrinopathy - susceptibility to chronic infections syndrome. Last evaluated: 2025-11-24. Review status: criteria provided, single submitter. Criteria: Invitae Variant Classification Sherloc (09022015). Collection method: clinical testing. Allele origin: germline.
Comment: This sequence change replaces lysine, which is basic and polar, with arginine, which is basic and polar, at codon 145 of the STAT1 protein (p.Lys145Arg). This variant is not present in population databases (gnomAD no frequency). This variant has not been reported in the literature in individuals affected with STAT1-related conditions. ClinVar contains an entry for this variant (Variation ID: 1485462). An algorithm developed to predict the effect of missense changes on protein structure and function outputs the following: PolyPhen-2: "Benign". The arginine amino acid residue is found in multiple mammalian species, which suggests that this missense change does not adversely affect protein function. In summary, the available evidence is currently insufficient to determine the role of this variant in disease. Therefore, it has been classified as a Variant of Uncertain Significance.

NM_007315.4(STAT1):c.434A>G (p.Lys145Arg)

Gene: STAT1 (signal transducer and activator of transcription 1; minus strand). Cytogenetic location: 2q32.2.
Variant type: single nucleotide variant.
Coding change: c.434A>G on transcript NM_007315.4 (MANE Select); coding-DNA position 434, A replaced by G.
Protein change: p.Lys145Arg; replaces lysine 145 with arginine.
Molecular consequence: missense variant. On other transcripts: intron variant (1).
Genome position (GRCh38, 1-based): chr2:191,001,102, T>C on the plus strand (A>G on the coding strand, the complement: STAT1 is on the minus strand). VCF-style: chr2-191001102-T-C. GRCh37 (hg19) VCF-style: chr2-191865828-T-C.
Other names: c.434A>G, p.Lys145Arg (NM_001384880.1, NM_001384882.1, NM_001384883.1 and 6 more transcripts); c.440A>G, p.Lys147Arg (NM_001384881.1, NM_001384884.1); c.470A>G, p.Lys157Arg (NM_001384891.1); c.373-1398A>G (NM_001384890.1); short protein forms K157R, K145R, K147R.
Identifiers: ClinVar variation 1485462 (VCV001485462.6), dbSNP rs2125079464, ClinGen allele CA349925264.